The following is an entry in ClinVar:

NM_001042492.3(NF1):c.5268+5del

Gene: NF1 (neurofibromin 1; plus strand). Cytogenetic location: 17q11.2.
Variant type: Deletion.
Coding change: c.5268+5del on transcript NM_001042492.3 (MANE Select); 5 bases into the intron after coding-DNA position 5268, one base deleted (G; older notation c.5268+5delG).
Molecular consequence: intron variant.
Genome position (GRCh38, 1-based): chr17:31,326,257, G deleted. VCF-style (leftmost placement, unchanged base first): chr17-31326256-AG-A. GRCh37 (hg19) VCF-style: chr17-29653274-AG-A.
Other names: c.5205+5del (NM_000267.4).
Identifiers: ClinVar variation 2692808 (VCV002692808.3), dbSNP rs2508698910, ClinGen allele CA2697559599.

ClinVar aggregate classification (germline): Uncertain significance (1 of 4 stars; one submission).

Conditions:
Neurofibromatosis, type 1 (NF1). Also called: Peripheral type neurofibromatosis; NEUROFIBROMATOSIS, TYPE I, SOMATIC; Neurofibromatosis, type I; VON RECKLINGHAUSEN DISEASE. Identifiers: Orphanet 636, MedGen C0027831, MONDO:0018975, OMIM 162200. Disease mechanism: loss of function.

Submission:

Labcorp Genetics (formerly Invitae), Labcorp
Classification: Uncertain significance for Neurofibromatosis, type 1. Last evaluated: 2023-11-02. Review status: criteria provided, single submitter. Criteria: Invitae Variant Classification Sherloc (09022015). Collection method: clinical testing. Allele origin: germline.
Comment: This sequence change falls in intron 36 of the NF1 gene. It does not directly change the encoded amino acid sequence of the NF1 protein. It affects a nucleotide within the consensus splice site. This variant is not present in population databases (gnomAD no frequency). This variant has not been reported in the literature in individuals affected with NF1-related conditions. Variants that disrupt the consensus splice site are a relatively common cause of aberrant splicing (PMID: 17576681, 9536098). Algorithms developed to predict the effect of sequence changes on RNA splicing suggest that this variant may disrupt the consensus splice site. This variant disrupts the c.5205+5 nucleotide in the NF1 gene. Other variant(s) that disrupt this nucleotide have been determined to be pathogenic (PMID: 12807981, 16835897, 21354044, 23913538). This suggests that this nucleotide is clinically significant, and that variants that disrupt this position are likely to be disease-causing. In summary, the available evidence is currently insufficient to determine the role of this variant in disease. Therefore, it has been classified as a Variant of Uncertain Significance.

Literature cited by the submitters: PubMed 17576681; PubMed 9536098; PubMed 12807981; PubMed 16835897; PubMed 21354044; PubMed 23913538.